The following is an entry in ClinVar:

ClinVar aggregate classification (germline): Uncertain significance (1 of 4 stars; one submission).

Allele frequency attached by ClinVar (database versions not stated): gnomAD exomes below 0.00001.
gnomAD v4.1: 1 of 1,614,048 alleles (0.000062%); highest among the groups gnomAD compares: Non-Finnish European, 0.000085%; no homozygotes.

Submission:

CeGaT Center for Human Genetics Tuebingen
Classification: Uncertain significance. Last evaluated: 2024-05-01. Review status: criteria provided, single submitter. Criteria: CeGaT Center For Human Genetics Tuebingen Variant Classification Criteria Version 2. Collection method: clinical testing. Allele origin: germline. Affected: yes. Observed: 1 variant allele.
Comment: TNRC6B: PM2

NM_001162501.2(TNRC6B):c.1687A>G (p.Ser563Gly)

Gene: TNRC6B (trinucleotide repeat containing adaptor 6B; plus strand). Cytogenetic location: 22q13.1.
Variant type: single nucleotide variant.
Coding change: c.1687A>G on transcript NM_001162501.2 (MANE Select); coding-DNA position 1687, A replaced by G.
Protein change: p.Ser563Gly; replaces serine 563 with glycine.
Molecular consequence: missense variant. On other transcripts: intron variant (1).
Genome position (GRCh38, 1-based): chr22:40,265,917, A>G. VCF-style: chr22-40265917-A-G. GRCh37 (hg19) VCF-style: chr22-40661921-A-G.
Other names: c.1687A>G, p.Ser563Gly (NM_015088.3); c.565+3744A>G (NM_001024843.2); short protein forms S563G.
Identifiers: ClinVar variation 3239468 (VCV003239468.19), dbSNP rs2517986946.